The following is an entry in ClinVar:

NM_017852.5(NLRP2):c.1254G>C (p.Pro418=)

Gene: NLRP2 (NLR family pyrin domain containing 2; plus strand). Cytogenetic location: 19q13.42.
Variant type: single nucleotide variant.
Coding change: c.1254G>C on transcript NM_017852.5 (MANE Select); coding-DNA position 1254, G replaced by C.
Protein change: p.Pro418=; no amino-acid change (proline 418 retained).
Molecular consequence: synonymous variant. On other transcripts: non-coding transcript variant (1).
Genome position (GRCh38, 1-based): chr19:54,982,952, G>C. VCF-style: chr19-54982952-G-C. GRCh37 (hg19) VCF-style: chr19-55494320-G-C.
Other names: c.1254G>C, p.Pro418= (NM_001174081.3); c.1188G>C, p.Pro396= (NM_001174082.3); c.1185G>C, p.Pro395= (NM_001174083.2); c.1245G>C, p.Pro415= (NM_001348003.2).
Identifiers: ClinVar variation 3039338 (VCV003039338.2), dbSNP rs61735078, ClinGen allele CA883732616.

ClinVar aggregate classification (germline): Likely benign (0 of 4 stars; one submission).

Conditions:
NLRP2-related disorder. Also called: NLRP2-related condition.

Submission:

PreventionGenetics, part of Exact Sciences
Classification: Likely benign for NLRP2-related condition. Last evaluated: 2023-01-17. Review status: no assertion criteria provided. Collection method: clinical testing. Allele origin: germline.
Comment: This variant is classified as likely benign based on ACMG/AMP sequence variant interpretation guidelines (Richards et al. 2015 PMID: 25741868, with internal and published modifications).